The following is an entry in ClinVar:

ClinVar aggregate classification (germline): Conflicting classifications of pathogenicity. Review status: criteria provided, conflicting classifications (1 of 4 stars). 3 submissions from 3 submitters: Uncertain significance (2); Benign (1). Last evaluated 2025-09-09.

Conditions:
Familial adenomatous polyposis 2. Also called: COLORECTAL ADENOMATOUS POLYPOSIS, AUTOSOMAL RECESSIVE; ADENOMAS, MULTIPLE COLORECTAL, AUTOSOMAL RECESSIVE; MUTYH-associated polyposis; FAP type 2; MUTYH-related attenuated familial adenomatous polyposis; Adenomas, multiple colorectal. Identifiers: Orphanet 220460, Orphanet 247798, MedGen C3272841, MONDO:0012041, OMIM 608456.
Hereditary cancer-predisposing syndrome. Also called: Neoplastic Syndromes, Hereditary; Tumor predisposition; Hereditary neoplastic syndrome; Hereditary Cancer Syndrome. Identifiers: Orphanet 140162, MedGen C0027672, MeSH D009386, MONDO:0015356.

Allele frequency attached by ClinVar (database versions not stated): gnomAD exomes below 0.00001; TOPMed below 0.00001; gnomAD 0.00003.
gnomAD v4.1: 1 of 1,614,156 alleles (0.000062%); highest among the groups gnomAD compares: Non-Finnish European, 0.000085%; no homozygotes.

Submissions (3):

Ambry Genetics
Classification: Benign for Hereditary cancer-predisposing syndrome. Last evaluated: 2025-09-09. Review status: criteria provided, single submitter. Criteria: Ambry Variant Classification Scheme 2023. Collection method: clinical testing. Allele origin: germline.

Labcorp Genetics (formerly Invitae), Labcorp
Classification: Uncertain significance for Familial adenomatous polyposis 2. Last evaluated: 2024-11-11. Review status: criteria provided, single submitter. Criteria: Invitae Variant Classification Sherloc (09022015). Collection method: clinical testing. Allele origin: germline.
Comment: This sequence change replaces leucine, which is neutral and non-polar, with valine, which is neutral and non-polar, at codon 377 of the MUTYH protein (p.Leu377Val). This variant is present in population databases (no rsID available, gnomAD 0.007%). This variant has not been reported in the literature in individuals affected with MUTYH-related conditions. ClinVar contains an entry for this variant (Variation ID: 464676). An algorithm developed to predict the effect of missense changes on protein structure and function outputs the following: PolyPhen-2: "Benign". The valine amino acid residue is found in multiple mammalian species, which suggests that this missense change does not adversely affect protein function. In summary, the available evidence is currently insufficient to determine the role of this variant in disease. Therefore, it has been classified as a Variant of Uncertain Significance.

Color Diagnostics, LLC DBA Color Health
Classification: Uncertain significance for Hereditary cancer-predisposing syndrome. Last evaluated: 2019-08-19. Review status: criteria provided, single submitter. Criteria: ACMG Guidelines, 2015. Collection method: clinical testing. Allele origin: germline.
Comment: This missense variant replaces leucine with valine at codon 377 of the MUTYH protein. Computational prediction tools and conservation analyses are inconclusive regarding the impact of this variant on the protein function. Computational splicing tools suggest that this variant may not impact RNA splicing. To our knowledge, functional assays have not been performed for this variant nor has this variant been reported in individuals affected with hereditary cancer in the literature. This variant has been identified in 1/31400 chromosomes in the general population by the Genome Aggregation Database (gnomAD). Available evidence is insufficient to determine the role of this variant in disease conclusively. Therefore, this variant is classified as a Variant of Uncertain Significance.

Literature cited by the submitters: PubMed 40738107 (cited by Ambry Genetics).

NM_001048174.2(MUTYH):c.1045C>G (p.Leu349Val)

Gene: MUTYH (mutY DNA glycosylase; minus strand). Cytogenetic location: 1p34.1.
Variant type: single nucleotide variant.
Coding change: c.1045C>G on transcript NM_001048174.2 (MANE Select); coding-DNA position 1045, C replaced by G.
Protein change: p.Leu349Val; replaces leucine 349 with valine.
Molecular consequence: missense variant. On other transcripts: non-coding transcript variant (2).
Genome position (GRCh38, 1-based): chr1:45,331,718, G>C on the plus strand (C>G on the coding strand, the complement: MUTYH is on the minus strand). VCF-style: chr1-45331718-G-C. GRCh37 (hg19) VCF-style: chr1-45797390-G-C.
Other names: c.1045C>G, p.Leu349Val (NM_001048171.2, NM_001048173.2, NM_001293195.2); c.1048C>G, p.Leu350Val (NM_001048172.2); c.1129C>G, p.Leu377Val (NM_001128425.2); c.1090C>G, p.Leu364Val (NM_001293190.2); c.1078C>G, p.Leu360Val (NM_001293191.2); c.769C>G, p.Leu257Val (NM_001293192.2, NM_001293196.2); c.700C>G, p.Leu234Val (NM_001350650.2, NM_001350651.2); c.1120C>G, p.Leu374Val (NM_012222.3); short protein forms L377V, L234V, L257V, L350V, L360V, L349V, L364V, L374V.
Identifiers: ClinVar variation 464676 (VCV000464676.15), dbSNP rs1216396008, ClinGen allele CA340133459.